The following is an entry in ClinVar:

ClinVar aggregate classification (germline): Likely benign. Review status: criteria provided, multiple submitters, no conflicts (2 of 4 stars). 3 submissions from 3 submitters: Likely benign (3). Last evaluated 2025-10-28.

Conditions:
Hereditary cancer-predisposing syndrome. Also called: Tumor predisposition; Neoplastic Syndromes, Hereditary; Hereditary Cancer Syndrome; Hereditary neoplastic syndrome. Identifiers: Orphanet 140162, MedGen C0027672, MeSH D009386, MONDO:0015356.
Tumor predisposition syndrome 3 (TPDS3). Also called: Melanoma, cutaneous malignant, susceptibility to, 10; Glioma susceptibility 9; LONG TELOMERE SYNDROME, POT1-RELATED; POT1 Tumor Predisposition. Identifiers: Orphanet 618, MedGen C4014476, MONDO:0014368, OMIM 615848.

Submissions (3):

Ambry Genetics
Classification: Likely benign for Hereditary cancer-predisposing syndrome. Last evaluated: 2025-10-28. Review status: criteria provided, single submitter. Criteria: Ambry Variant Classification Scheme 2023. Collection method: clinical testing. Allele origin: germline.

Labcorp Genetics (formerly Invitae), Labcorp
Classification: Likely benign for Tumor predisposition syndrome 3. Last evaluated: 2023-03-29. Review status: criteria provided, single submitter. Criteria: Invitae Variant Classification Sherloc (09022015). Collection method: clinical testing. Allele origin: germline.

GeneDx
Classification: Likely benign. Last evaluated: 2018-04-17. Review status: criteria provided, single submitter. Criteria: GeneDx Variant Classification (06012015). Collection method: clinical testing. Allele origin: germline. Affected: yes.
Comment: This variant is considered likely benign or benign based on one or more of the following criteria: it is a conservative change, it occurs at a poorly conserved position in the protein, it is predicted to be benign by multiple in silico algorithms, and/or has population frequency not consistent with disease.

NM_015450.3(POT1):c.1407G>A (p.Lys469=)

Gene: POT1 (protection of telomeres 1; minus strand). Cytogenetic location: 7q31.33.
Variant type: single nucleotide variant.
Coding change: c.1407G>A on transcript NM_015450.3 (MANE Select); coding-DNA position 1407, G replaced by A.
Protein change: p.Lys469=; no amino-acid change (lysine 469 retained).
Molecular consequence: synonymous variant. On other transcripts: non-coding transcript variant (3).
Genome position (GRCh38, 1-based): chr7:124,835,377, C>T on the plus strand (G>A on the coding strand, the complement: POT1 is on the minus strand). VCF-style: chr7-124835377-C-T. GRCh37 (hg19) VCF-style: chr7-124475431-C-T.
Other names: c.1014G>A, p.Lys338= (NM_001042594.2).
Identifiers: ClinVar variation 682301 (VCV000682301.5), dbSNP rs1584753348, ClinGen allele CA457469855.
Genomic context (GRCh38, chr7:124,835,377, plus strand): 5'-TGAAAGGTCCAAAAGTTCCAGGTCTTCGTGGCCAGATCTCACAGGAATTACACTATTAAA[C>T]TTGTTCGAGAGTTTGCAAATTTCACTGAGTGTACCTCCTGTTAAGAGAATAAATAAATCC-3'
Protein context (NP_056265.2, residues 459-479): TLSEICKLSN[Lys469=]FNSVIPVRSG